The following is an entry in ClinVar:

NM_001267550.2(TTN):c.98051G>C (p.Gly32684Ala)

Genes: TTN (titin; minus strand), TTN-AS1 (TTN antisense RNA 1; plus strand). Cytogenetic location: 2q31.2.
Variant type: single nucleotide variant.
Coding change: c.98051G>C on transcript NM_001267550.2 (MANE Select); coding-DNA position 98051, G replaced by C.
Protein change: p.Gly32684Ala; replaces glycine 32684 with alanine.
Molecular consequence: missense variant. On other transcripts: non-coding transcript variant (1).
Genome position (GRCh38, 1-based): chr2:178,540,115, C>G on the plus strand (G>C on the coding strand, the complement: TTN is on the minus strand). VCF-style: chr2-178540115-C-G. GRCh37 (hg19) VCF-style: chr2-179404842-C-G.
Other names: c.93128G>C, p.Gly31043Ala (NM_001256850.1); c.70856G>C, p.Gly23619Ala (NM_003319.4); c.90347G>C, p.Gly30116Ala (NM_133378.4); c.71231G>C, p.Gly23744Ala (NM_133432.3); c.71432G>C, p.Gly23811Ala (NM_133437.4); short protein forms G32684A, G23811A, G30116A, G31043A, G23619A, G23744A.
Identifiers: ClinVar variation 535336 (VCV000535336.4), dbSNP rs774041992, ClinGen allele CA1986449.

ClinVar aggregate classification (germline): Uncertain significance. Review status: criteria provided, multiple submitters, no conflicts (2 of 4 stars). 2 submissions from 2 submitters: Uncertain significance (2). Last evaluated 2024-09-26.

Conditions:
Autosomal recessive limb-girdle muscular dystrophy type 2J (LGMDR10). Also called: Limb-girdle muscular dystrophy, type 2J; MUSCULAR DYSTROPHY, LIMB-GIRDLE, AUTOSOMAL RECESSIVE 10. Identifiers: Orphanet 140922, MedGen C1837342, MONDO:0012127, OMIM 608807.
Dilated cardiomyopathy 1G (CMD1G). Identifiers: Orphanet 154, MedGen C1858763, MONDO:0011400, OMIM 604145.

Allele frequency attached by ClinVar (database versions not stated): ExAC 0.00001; TOPMed 0.00001.
gnomAD v4.1: 43 of 1,610,608 alleles (0.0027%); highest among the groups gnomAD compares: Non-Finnish European, 0.0036%; no homozygotes.

Submissions (2):

Women's Health and Genetics/Laboratory Corporation of America, LabCorp
Classification: Uncertain significance. Last evaluated: 2024-09-26. Review status: criteria provided, single submitter. Criteria: LabCorp Variant Classification Summary - May 2015. Collection method: clinical testing. Allele origin: germline.
Comment: Variant summary: TTN c.90347G>C (p.Gly30116Ala) results in a non-conservative amino acid change located in the A-band of the encoded protein sequence. Four of four in-silico tools predict a damaging effect of the variant on protein function. The variant allele was found at a frequency of 4e-06 in 247466 control chromosomes. The available data on variant occurrences in the general population are insufficient to allow any conclusion about variant significance. To our knowledge, no occurrence of c.90347G>C in individuals affected with Limb-Girdle Muscular Dystrophy, Type 2J and no experimental evidence demonstrating its impact on protein function have been reported. ClinVar contains an entry for this variant (Variation ID: 535336). Based on the evidence outlined above, the variant was classified as uncertain significance.

Labcorp Genetics (formerly Invitae), Labcorp
Classification: Uncertain significance for Dilated cardiomyopathy 1G; Autosomal recessive limb-girdle muscular dystrophy type 2J. Last evaluated: 2017-12-28. Review status: criteria provided, single submitter. Criteria: Invitae Variant Classification Sherloc (09022015). Collection method: clinical testing. Allele origin: germline.